The following continues an entry in ClinVar:

NM_000441.2(SLC26A4):c.1003T>C (p.Phe335Leu)

Gene: SLC26A4. ClinVar aggregate classification (germline): Likely pathogenic. Likely pathogenic (1).

Submissions 8 to 20 of 34:

Natera, Inc.
Classification: Likely pathogenic for Pendred syndrome. Last evaluated: 2025-12-15. Review status: criteria provided, single submitter. Criteria: Natera Variant Classification Schema (03/2026). Collection method: clinical testing. Allele origin: germline. Not counted in ClinVar's aggregate classification.
Comment: The c.1003T>C variant in SLC26A4 is a missense variant predicted to cause substitution of phenylalanine to leucine at amino acid 335. This variant is rare in the general population with a frequency below the threshold expected for the associated phenotype(s). This variant has been observed in at least one unaffected individual, with a zygosity that is consistent with the inheritance pattern for the associated condition (in gnomAD and/or literature). This variant has been observed in one or more individuals affected with the associated recessive disease, as either homozygous or compound heterozygous with a second variant (PMID: 19204907, 26485571, 25394566). Additionally, this variant has been observed to segregate in affected family members (PMID: 19204907, 26485571). Computational prediction algorithms indicate this variant is likely to affect gene or protein function. Given the available evidence, this variant is classified as Likely Pathogenic.

First Genomix Gene Laboratory, Genetic Diagnostics Department
Classification: Likely pathogenic for Autosomal recessive nonsyndromic hearing loss 4; Pendred syndrome. Last evaluated: 2025-01-17. Review status: criteria provided, single submitter. Criteria: ACMG Guidelines, 2015. Collection method: clinical testing. Allele origin: germline. Inheritance: Autosomal recessive inheritance. Affected: no. Observed: 1 variant allele. Not counted in ClinVar's aggregate classification.

Blueprint Genetics
Classification: Likely pathogenic for SLC26A4-related disorders. Last evaluated: 2024-11-21. Review status: criteria provided, single submitter. Criteria: ACMG Guidelines, 2015. Collection method: clinical testing. Allele origin: germline. Affected: yes. Observed: 5 variant alleles. Not counted in ClinVar's aggregate classification.

Revvity Omics, Revvity
Classification: Likely pathogenic. Last evaluated: 2024-09-03. Review status: criteria provided, single submitter. Criteria: ACMG Guidelines, 2015. Collection method: clinical testing. Allele origin: germline. Not counted in ClinVar's aggregate classification.

Women's Health and Genetics/Laboratory Corporation of America, LabCorp
Classification: Pathogenic for Pendred syndrome. Last evaluated: 2024-07-11. Review status: criteria provided, single submitter. Criteria: LabCorp Variant Classification Summary - May 2015. Collection method: clinical testing. Allele origin: germline. Not counted in ClinVar's aggregate classification.
Comment: Variant summary: SLC26A4 c.1003T>C (p.Phe335Leu) results in a non-conservative amino acid change located in the SLC26A/SulP transporter domain (IPR002645) of the encoded protein sequence. Four of four in-silico tools predict a damaging effect of the variant on protein function. The variant allele was found at a frequency of 0.00086 in 251190 control chromosomes in the gnomAD database, including 1 homozygote. This frequency is not significantly higher than estimated for a pathogenic variant in SLC26A4 causing Pendred Syndrome (0.00086 vs 0.0035), allowing no conclusion about variant significance. c.1003T>C has been reported in the literature in multiple individuals affected with Pendred Syndrome (Teek_2013, Rendtorff_2013, etc.) and EVA (Hearing loss and enlargement of the vestibular aqueduct) (Pera_2008, Choi_2009, Muskett_2016, etc.). These data indicate that the variant is very likely to be associated with disease. At least one publication reports experimental evidence evaluating showing the variant effect results in reduced protein activity (Choi_2009). The following publications have been ascertained in the context of this evaluation (PMID: 19578036, 33502066, 26485571, 18285825, 23336812, 24222258). ClinVar contains an entry for this variant (Variation ID: 4842). Based on the evidence outlined above, the variant was classified as pathogenic.

Genomic Medicine Center of Excellence, King Faisal Specialist Hospital and Research Centre
Classification: Likely pathogenic for Autosomal recessive nonsyndromic hearing loss 4. Last evaluated: 2024-04-04. Review status: criteria provided, single submitter. Criteria: ACMG Guidelines, 2015. Collection method: clinical testing. Allele origin: germline. Not counted in ClinVar's aggregate classification.

Baylor Genetics
Classification: Likely pathogenic for Autosomal recessive nonsyndromic hearing loss 4. Last evaluated: 2024-03-30. Review status: criteria provided, single submitter. Criteria: ACMG Guidelines, 2015. Collection method: clinical testing. Allele origin: unknown. Not counted in ClinVar's aggregate classification.

Neuberg Centre For Genomic Medicine, NCGM
Classification: Pathogenic for Autosomal recessive nonsyndromic hearing loss 4. Last evaluated: 2024-02-01. Review status: criteria provided, single submitter. Criteria: ACMG Guidelines, 2015. Collection method: clinical testing. Allele origin: germline. Inheritance: Autosomal recessive inheritance. Not counted in ClinVar's aggregate classification.
Comment: The missense/ splice region variant c.1003T>C (p.Phe335Leu) in the SLC26A4 gene has been reported previously in a compound heterozygous and heterozygous state in individuals affected with Nonsyndromic hearing loss and enlargement of the vestibular aqueduct. Published functional studies have shown normal plasma membrane localization but a lower exchange rate constant for p.(F335L) compared to wild-type constructs (Nonose et al., 2018; Choi et al., 2009). In the absence of another reportable variant in SLC26A4 gene, the molecular diagnosis is not confirmed.

Duke University Health System Sequencing Clinic, Duke University Health System
Classification: Pathogenic for Autosomal recessive nonsyndromic hearing loss 4. Last evaluated: 2023-04-20. Review status: criteria provided, single submitter. Criteria: ACMG Guidelines, 2015. Collection method: research. Allele origin: paternal. Affected: yes. Not counted in ClinVar's aggregate classification.

MGZ Medical Genetics Center
Classification: Pathogenic for Autosomal recessive nonsyndromic hearing loss 4. Last evaluated: 2022-08-29. Review status: criteria provided, single submitter. Criteria: ACMG Guidelines, 2015. Collection method: clinical testing. Allele origin: germline. Affected: yes. Observed: 2 variant alleles. Not counted in ClinVar's aggregate classification.
Comment: ACMG criteria applied: PM3_VSTR, PS4, PS3_SUP, PM2_SUP, PP1, PP3

Greenwood Genetic Center Diagnostic Laboratories, Greenwood Genetic Center
Classification: Likely pathogenic for SLC26A4-related disorder. Last evaluated: 2022-07-25. Review status: criteria provided, single submitter. Criteria: ACMG Guidelines, 2015. Collection method: clinical testing. Allele origin: germline. Affected: yes. Not counted in ClinVar's aggregate classification.
Comment: PS3_Supporting, PM3_Strong, PP1, PP3, PP4

Laboratory for Molecular Medicine, Mass General Brigham Personalized Medicine
Classification: Pathogenic for Rare genetic deafness. Last evaluated: 2022-06-23. Review status: criteria provided, single submitter. Criteria: ACMG Guidelines, 2015. Collection method: clinical testing. Allele origin: germline. Inheritance: Autosomal recessive inheritance. Not counted in ClinVar's aggregate classification.
Comment: The p.Phe335Leu variant in SLC26A4 has been reported in more than 25 probands with hearing loss, at least 19 of whom had temporal bone abnormalities, and at least 6 of whom had a second pathogenic variant in SLC26A4 (Campbell 2001 PMID 11317356, Prasad 2004 PMID 14679580, Pryor 2005 PMID 15689455, Madden 2007 PMID 17309986, Samanich 2007 PMID 17357124, Yang 2007 PMID 17503324, Pera 2008 PMID 18285825, Choi 2009 PMID 19204907, Dai 2009 PMID 19509082, Yang 2009 PMID 19426954, Pourova 2010 PMID 20597900, Rodriguez 2010 PMID 20668687, Chattaraj 2013 PMID 24051746, Landa 2013 PMID 23965030, Soh 2015 PMID 25394566, Likar 2018 PMID 29293505, LMM data). The variant also segregated with hearing loss and EVA in at least 1 affected family member (Pera 2008 PMID 18285825). Other variants at this position, p.Phe335Ser and p.Phe335Val, have been detected in individuals with hearing loss (Madden 2007 PMID 17309986, Nanose 2018 PMID 29739340), suggesting that changes to this position may not be tolerated. Furthermore, in vitro functional studies provide some evidence that the p.Phe335Leu variant may impact protein function (Choi 2009 PMID 19204907). This variant has also been identified in 0.25% (77/30778) of South Asian chromosomes, including 1 homozygote, by the Genome Aggregation Database. Although this variant has been seen in the general population, its frequency is low enough to be consistent with a recessive carrier frequency and it is not known if individuals with hearing loss were excluded from the population studies included in gnomAD. In addition, a case-control comparison using Chi-squared analysis revealed a statistically significantly difference between the number of cases with the variant versus controls (p-value of <0.0001). In summary, despite its high frequency in the general population, this variant meets criteria to be classified as pathogenic for autosomal recessive hearing loss. ACMG/AMP criteria applied: PM3_Very Strong, PP1, PS3_P, PP3, BS1_Supporting.

Foundation for Research in Genetics and Endocrinology, FRIGE's Institute of Human Genetics
Classification: Uncertain significance for Autosomal recessive nonsyndromic hearing loss 4. Last evaluated: 2022-05-02. Review status: criteria provided, single submitter. Criteria: ACMG Guidelines, 2015. Collection method: clinical testing. Allele origin: germline. Inheritance: Autosomal recessive inheritance. Affected: yes. Observed: 1 heterozygote. Not counted in ClinVar's aggregate classification.
Comment: A heterozygous missense variation in exon 9 of the SLC26A4 gene that results in the amino acid substitution of Leucine for Phenalalanine at codon 335 was detected. The observed variant c.1003 T>C (p.Phe335Leu) the variant has a minor allele Frequency of 0.08% 1000 genomes, gnomAD databases. The in silico prediction of the variant are possibly damaging by PolyPhen-2 (HumDiv) and damaging by LRT. The reference codon is conserved across species. In summary, the variant meets our criteria to be classified as uncertain significance